The following is an entry in ClinVar:

ClinVar aggregate classification (germline): Benign/Likely benign. Review status: criteria provided, multiple submitters, no conflicts (2 of 4 stars). 3 submissions from 3 submitters: Benign (1); Likely benign (2). Last evaluated 2024-10-10.

Conditions:
Hereditary cancer-predisposing syndrome. Also called: Hereditary neoplastic syndrome; Tumor predisposition; Neoplastic Syndromes, Hereditary; Hereditary Cancer Syndrome. Identifiers: Orphanet 140162, MedGen C0027672, MeSH D009386, MONDO:0015356.
Hereditary diffuse gastric adenocarcinoma (HDGC). Also called: DIFFUSE GASTRIC AND LOBULAR BREAST CANCER SYNDROME. Identifiers: Orphanet 26106, MedGen C1708349, MONDO:0007648, OMIM 137215.

Submissions (3):

Myriad Genetics, Inc.
Classification: Benign for Hereditary diffuse gastric adenocarcinoma. Last evaluated: 2024-10-10. Review status: criteria provided, single submitter. Criteria: Myriad Autosomal Dominant, Autosomal Recessive and X-Linked Classification Criteria (2023). Collection method: clinical testing. Allele origin: unknown.
Comment: This variant is considered benign. This variant is a silent/synonymous amino acid change and it is not expected to impact splicing.

Ambry Genetics
Classification: Likely benign for Hereditary cancer-predisposing syndrome. Last evaluated: 2022-11-03. Review status: criteria provided, single submitter. Criteria: Ambry Variant Classification Scheme 2023. Collection method: clinical testing. Allele origin: germline.

Labcorp Genetics (formerly Invitae), Labcorp
Classification: Likely benign. Last evaluated: 2020-03-11. Review status: criteria provided, single submitter. Criteria: Invitae Variant Classification Sherloc (09022015). Collection method: clinical testing. Allele origin: germline.

NM_001903.5(CTNNA1):c.693C>T (p.His231=)

Gene: CTNNA1 (catenin alpha 1; plus strand). Cytogenetic location: 5q31.2.
Variant type: single nucleotide variant.
Coding change: c.693C>T on transcript NM_001903.5 (MANE Select); coding-DNA position 693, C replaced by T.
Protein change: p.His231=; no amino-acid change (histidine 231 retained).
Molecular consequence: synonymous variant.
Genome position (GRCh38, 1-based): chr5:138,824,634, C>T. VCF-style: chr5-138824634-C-T. GRCh37 (hg19) VCF-style: chr5-138160323-C-T.
Other names: c.693C>T (NM_001903.2); c.693C>T, p.His231= (NM_001290307.3, NM_001323982.2, NM_001323983.1 and 3 more transcripts); c.384C>T, p.His128= (NM_001290309.3); c.324C>T, p.His108= (NM_001290310.3).
Identifiers: ClinVar variation 1144210 (VCV001144210.11), dbSNP rs2149775959, ClinGen allele CA446594739.